The following is an entry in ClinVar:

NM_005189.3(CBX2):c.669C>T (p.Gly223=)

Gene: CBX2 (chromobox 2; plus strand). Cytogenetic location: 17q25.3.
Variant type: single nucleotide variant.
Coding change: c.669C>T on transcript NM_005189.3 (MANE Select); coding-DNA position 669, C replaced by T.
Protein change: p.Gly223=; no amino-acid change (glycine 223 retained).
Molecular consequence: synonymous variant.
Genome position (GRCh38, 1-based): chr17:79,784,112, C>T. VCF-style: chr17-79784112-C-T. GRCh37 (hg19) VCF-style: chr17-77757911-C-T.
Other names: c.669C>T (NM_005189.2).
Identifiers: ClinVar variation 2061244 (VCV002061244.6), dbSNP rs372276005, ClinGen allele CA8811302.

ClinVar aggregate classification (germline): Likely benign. Review status: criteria provided, single submitter (1 of 4 stars). 2 submissions from 2 submitters: Likely benign (1). 1 of the submissions does not count toward it. Last evaluated 2025-11-07.

Conditions:
CBX2-related disorder. Also called: CBX2-related condition.

Allele frequency attached by ClinVar (database versions not stated): ESP Exome Variant Server 0.00008; ExAC 0.00018; TOPMed 0.00026; gnomAD 0.00028.
gnomAD v4.1: 503 of 1,611,444 alleles (0.031%); highest among the groups gnomAD compares: Non-Finnish European, 0.039%; no homozygotes.

Submissions (2):

Labcorp Genetics (formerly Invitae), Labcorp
Classification: Likely benign. Last evaluated: 2025-11-07. Review status: criteria provided, single submitter. Criteria: Invitae Variant Classification Sherloc (09022015). Collection method: clinical testing. Allele origin: germline.

PreventionGenetics, part of Exact Sciences
Classification: Likely benign for CBX2-related condition. Last evaluated: 2019-09-17. Review status: no assertion criteria provided. Collection method: clinical testing. Allele origin: germline. Not counted in ClinVar's aggregate classification.
Comment: This variant is classified as likely benign based on ACMG/AMP sequence variant interpretation guidelines (Richards et al. 2015 PMID: 25741868, with internal and published modifications).